The following is an entry in ClinVar:

NM_000388.4(CASR):c.239A>C (p.Glu80Ala)

Gene: CASR (calcium sensing receptor; plus strand). Cytogenetic location: 3q21.1.
Variant type: single nucleotide variant.
Coding change: c.239A>C on transcript NM_000388.4 (MANE Select); coding-DNA position 239, A replaced by C.
Protein change: p.Glu80Ala; replaces glutamic acid 80 with alanine.
Molecular consequence: missense variant.
Genome position (GRCh38, 1-based): chr3:122,257,134, A>C. VCF-style: chr3-122257134-A-C. GRCh37 (hg19) VCF-style: chr3-121975981-A-C.
Other names: c.239A>C, p.Glu80Ala (NM_001178065.2); short protein forms E80A.
Identifiers: ClinVar variation 651226 (VCV000651226.10), dbSNP rs1576854303, ClinGen allele CA354362461.

ClinVar aggregate classification (germline): Uncertain significance. Review status: criteria provided, multiple submitters, no conflicts (2 of 4 stars). 2 submissions from 2 submitters: Uncertain significance (2). Last evaluated 2023-05-23.

Conditions:
Autosomal dominant hypocalcemia 1 (HYPOC1). Also called: HYPOCALCEMIA, FAMILIAL. Identifiers: MedGen C3715128, MONDO:0011013, OMIM 601198.
Familial hypocalciuric hypercalcemia (FHH). Also called: Familial benign hypercalcemia. Identifiers: Orphanet 405, MedGen C1809471, MONDO:0018458.
Nephrolithiasis/nephrocalcinosis. Identifiers: MedGen CN580796.

Allele frequency attached by ClinVar (database versions not stated): gnomAD exomes below 0.00001.
gnomAD v4.1: 1 of 1,614,124 alleles (0.000062%); highest among the groups gnomAD compares: Non-Finnish European, 0.000085%; no homozygotes.

Submissions (2):

Ambry Genetics
Classification: Uncertain significance for Nephrolithiasis/nephrocalcinosis. Last evaluated: 2023-05-23. Review status: criteria provided, single submitter. Criteria: Ambry Variant Classification Scheme 2023. Collection method: clinical testing. Allele origin: germline.
Comment: The p.E80A variant (also known as c.239A>C), located in coding exon 2 of the CASR gene, results from an A to C substitution at nucleotide position 239. The glutamic acid at codon 80 is replaced by alanine, an amino acid with dissimilar properties. This amino acid position is conserved. In addition, this alteration is predicted to be deleterious by in silico analysis. Since supporting evidence is limited at this time, the clinical significance of this alteration remains unclear.

Labcorp Genetics (formerly Invitae), Labcorp
Classification: Uncertain significance for Familial hypocalciuric hypercalcemia; Autosomal dominant hypocalcemia 1. Last evaluated: 2018-08-07. Review status: criteria provided, single submitter. Criteria: Invitae Variant Classification Sherloc (09022015). Collection method: clinical testing. Allele origin: germline.
Comment: In summary, the available evidence is currently insufficient to determine the role of this variant in disease. Therefore, it has been classified as a Variant of Uncertain Significance. Algorithms developed to predict the effect of missense changes on protein structure and function (SIFT, PolyPhen-2, Align-GVGD) all suggest that this variant is likely to be disruptive, but these predictions have not been confirmed by published functional studies and their clinical significance is uncertain. This variant has not been reported in the literature in individuals with CASR-related disease. This variant is not present in population databases (ExAC no frequency). This sequence change replaces glutamic acid with alanine at codon 80 of the CASR protein (p.Glu80Ala). The glutamic acid residue is highly conserved and there is a moderate physicochemical difference between glutamic acid and alanine.